The following is an entry in ClinVar:

NM_001142800.2(EYS):c.5128A>T (p.Thr1710Ser)

Gene: EYS (EGF-like photoreceptor maintenance factor; minus strand). Cytogenetic location: 6q12.
Variant type: single nucleotide variant.
Coding change: c.5128A>T on transcript NM_001142800.2 (MANE Select); coding-DNA position 5128, A replaced by T.
Protein change: p.Thr1710Ser; replaces threonine 1710 with serine.
Molecular consequence: missense variant.
Genome position (GRCh38, 1-based): chr6:64,590,739, T>A on the plus strand (A>T on the coding strand, the complement: EYS is on the minus strand). VCF-style: chr6-64590739-T-A. GRCh37 (hg19) VCF-style: chr6-65300632-T-A.
Other names: c.5128A>T, p.Thr1710Ser (NM_001292009.2); short protein forms T1710S.
Identifiers: ClinVar variation 1348083 (VCV001348083.8), dbSNP rs947358402, ClinGen allele CA364781788.

ClinVar aggregate classification (germline): Uncertain significance (1 of 4 stars; one submission).

Submission:

Labcorp Genetics (formerly Invitae), Labcorp
Classification: Uncertain significance. Last evaluated: 2021-05-24. Review status: criteria provided, single submitter. Criteria: Invitae Variant Classification Sherloc (09022015). Collection method: clinical testing. Allele origin: germline.
Comment: This variant is not present in population databases (ExAC no frequency). This sequence change replaces threonine with serine at codon 1710 of the EYS protein (p.Thr1710Ser). The threonine residue is moderately conserved and there is a small physicochemical difference between threonine and serine. This variant has not been reported in the literature in individuals with EYS-related conditions. Algorithms developed to predict the effect of missense changes on protein structure and function (SIFT, PolyPhen-2, Align-GVGD) all suggest that this variant is likely to be tolerated, but these predictions have not been confirmed by published functional studies and their clinical significance is uncertain. In summary, the available evidence is currently insufficient to determine the role of this variant in disease. Therefore, it has been classified as a Variant of Uncertain Significance.